The following is an entry in ClinVar:

ClinVar aggregate classification (germline): Uncertain significance (1 of 4 stars; one submission).

Conditions:
Hereditary cancer-predisposing syndrome. Also called: Hereditary neoplastic syndrome; Neoplastic Syndromes, Hereditary; Tumor predisposition; Hereditary Cancer Syndrome. Identifiers: Orphanet 140162, MedGen C0027672, MeSH D009386, MONDO:0015356.

Submission:

Ambry Genetics
Classification: Uncertain significance for Hereditary cancer-predisposing syndrome. Last evaluated: 2025-06-30. Review status: criteria provided, single submitter. Criteria: Ambry Variant Classification Scheme 2023. Collection method: clinical testing. Allele origin: germline.
Comment: The p.A188T variant (also known as c.562G>A), located in coding exon 5 of the RAD50 gene, results from a G to A substitution at nucleotide position 562. The alanine at codon 188 is replaced by threonine, an amino acid with similar properties. This amino acid position is conserved. In addition, the in silico prediction for this alteration is inconclusive. Based on the available evidence, the clinical significance of this variant remains unclear.

NM_005732.4(RAD50):c.562G>A (p.Ala188Thr)

Gene: RAD50 (RAD50 double strand break repair protein; plus strand). Cytogenetic location: 5q31.1.
Variant type: single nucleotide variant.
Coding change: c.562G>A on transcript NM_005732.4 (MANE Select); coding-DNA position 562, G replaced by A.
Protein change: p.Ala188Thr; replaces alanine 188 with threonine.
Molecular consequence: missense variant.
Genome position (GRCh38, 1-based): chr5:132,579,872, G>A. VCF-style: chr5-132579872-G-A. GRCh37 (hg19) VCF-style: chr5-131915564-G-A.
Other names: short protein forms A188T.
Identifiers: ClinVar variation 4149721 (VCV004149721.1).